The following is an entry in ClinVar:

NM_018429.3(BDP1):c.4435A>C (p.Asn1479His)

Gene: BDP1 (BDP1 general transcription factor IIIB subunit; plus strand). Cytogenetic location: 5q13.2.
Variant type: single nucleotide variant.
Coding change: c.4435A>C on transcript NM_018429.3 (MANE Select); coding-DNA position 4435, A replaced by C.
Protein change: p.Asn1479His; replaces asparagine 1479 with histidine.
Molecular consequence: missense variant.
Genome position (GRCh38, 1-based): chr5:71,513,372, A>C. VCF-style: chr5-71513372-A-C. GRCh37 (hg19) VCF-style: chr5-70809199-A-C.
Other names: short protein forms N1479H.
Identifiers: ClinVar variation 5032847 (VCV005032847.1).

ClinVar aggregate classification (germline): Uncertain significance (1 of 4 stars; one submission).

gnomAD v4.1: 4 of 1,595,700 alleles (0.00025%); highest among the groups gnomAD compares: South Asian, 0.0046%; no homozygotes.

Submission:

Ambry Genetics
Classification: Uncertain significance. Last evaluated: 2026-08-12. Review status: criteria provided, single submitter. Criteria: Ambry Variant Classification Scheme 2023. Collection method: clinical testing. Allele origin: germline.
Comment: The c.4435A>C (p.N1479H) alteration is located in exon 19 (coding exon 19) of the BDP1 gene. This alteration results from a A to C substitution at nucleotide position 4435, causing the asparagine (N) at amino acid position 1479 to be replaced by a histidine (H). Based on data from gnomAD, the C allele has an overall frequency of <0.001% (1/241664) total alleles studied. The highest observed frequency was 0.004% (1/28408) of South Asian alleles. Based on insufficient or conflicting evidence, the clinical significance of this alteration remains unclear.